The following is an entry in ClinVar:

ClinVar aggregate classification (germline): Likely benign. Review status: criteria provided, multiple submitters, no conflicts (2 of 4 stars). 3 submissions from 3 submitters: Likely benign (3). Last evaluated 2024-06-11.

Conditions:
Hereditary cancer-predisposing syndrome. Also called: Hereditary Cancer Syndrome; Tumor predisposition; Neoplastic Syndromes, Hereditary; Hereditary neoplastic syndrome. Identifiers: Orphanet 140162, MedGen C0027672, MeSH D009386, MONDO:0015356.
Retinoblastoma (RB1). Also called: RETINOBLASTOMA, SOMATIC. Identifiers: Orphanet 790, MedGen C0035335, MeSH D012175, MONDO:0008380, OMIM 180200, HP:0009919. Disease mechanism: loss of function. Inheritance: Both sporadic and heritable forms are tested..

Allele frequency attached by ClinVar (database versions not stated): gnomAD exomes below 0.00001.
gnomAD v4.1: 1 of 1,602,942 alleles (0.000062%); highest among the groups gnomAD compares: Non-Finnish European, 0.000085%; no homozygotes.

Submissions (3):

All of Us Research Program, National Institutes of Health
Classification: Likely benign for Retinoblastoma. Last evaluated: 2024-06-11. Review status: criteria provided, single submitter. Criteria: ACMG Guidelines, 2015. Collection method: clinical testing. Allele origin: germline. Inheritance: Autosomal dominant inheritance. Observed: 2 variant alleles, 2 heterozygotes.
Comment: This study involves interpretation of variants in research participants for the purpose of population health screening. Participant phenotype was not available at the time of variant classification. Additional details can be found in publication PMID: 35346344, PMCID: PMC8962531

Ambry Genetics
Classification: Likely benign for Hereditary cancer-predisposing syndrome. Last evaluated: 2024-03-21. Review status: criteria provided, single submitter. Criteria: Ambry Variant Classification Scheme 2023. Collection method: clinical testing. Allele origin: germline.

Labcorp Genetics (formerly Invitae), Labcorp
Classification: Likely benign for Retinoblastoma. Last evaluated: 2022-03-26. Review status: criteria provided, single submitter. Criteria: Invitae Variant Classification Sherloc (09022015). Collection method: clinical testing. Allele origin: germline.

NM_000321.3(RB1):c.564A>G (p.Ala188=)

Gene: RB1 (RB transcriptional corepressor 1; plus strand). Cytogenetic location: 13q14.2.
Variant type: single nucleotide variant.
Coding change: c.564A>G on transcript NM_000321.3 (MANE Select); coding-DNA position 564, A replaced by G.
Protein change: p.Ala188=; no amino-acid change (alanine 188 retained).
Molecular consequence: synonymous variant.
Genome position (GRCh38, 1-based): chr13:48,348,980, A>G. VCF-style: chr13-48348980-A-G. GRCh37 (hg19) VCF-style: chr13-48923116-A-G.
Other names: c.564A>G (NM_000321.2).
Identifiers: ClinVar variation 1540847 (VCV001540847.10), dbSNP rs1952522861, ClinGen allele CA483557529.
Genomic context (GRCh38, chr13:48,348,980, plus strand): 5'-TTCCTGTTTTTTTTCTGCTTTCTATTTGTTTAATAGGATATCTACTGAAATAAATTCTGC[A>G]TTGGTGCTAAAAGTTTCTTGGATCACATTTTTATTAGCTAAAGGTAAGTTCATTATATTT-3'
Protein context (NP_000312.2, residues 178-198): SSSISTEINS[Ala188=]LVLKVSWITF